The following is an entry in ClinVar:

NM_001256071.3(RNF213):c.13428+4A>C

Genes: RNF213 (ring finger protein 213; plus strand), RNF213-AS1 (RNF213 antisense RNA 1; minus strand). Cytogenetic location: 17q25.3.
Variant type: single nucleotide variant.
Coding change: c.13428+4A>C on transcript NM_001256071.3 (MANE Select); 4 bases into the intron after coding-DNA position 13428, A replaced by C.
Molecular consequence: intron variant.
Genome position (GRCh38, 1-based): chr17:80,376,547, A>C. VCF-style: chr17-80376547-A-C. GRCh37 (hg19) VCF-style: chr17-78350347-A-C.
Other names: c.13575+4A>C (NM_020914.5, NM_001410195.1).
Identifiers: ClinVar variation 2858204 (VCV002858204.3), dbSNP rs765581843, ClinGen allele CA8822563.
Genomic context (GRCh38, chr17:80,376,547, plus strand): 5'-CAGAATGAACTCTTGGAGCCCCTAAAGAATCTGGCCTTCTCCCCAGCCACCATGGCGGTA[A>C]GAGTAGGCCACAATTCCATCGGCCTTCACTGGAACACCCCCCAGAGCTTGTCACTGTAGA-3'

ClinVar aggregate classification (germline): Uncertain significance (1 of 4 stars; one submission).

Allele frequency attached by ClinVar (database versions not stated): gnomAD 0.00003; TOPMed 0.00003; gnomAD exomes 0.00006; ExAC 0.00007.
gnomAD v4.1: 91 of 1,613,886 alleles (0.0056%); highest among the groups gnomAD compares: Middle Eastern, 0.016%; no homozygotes.

Submission:

Labcorp Genetics (formerly Invitae), Labcorp
Classification: Uncertain significance. Last evaluated: 2023-05-23. Review status: criteria provided, single submitter. Criteria: Invitae Variant Classification Sherloc (09022015). Collection method: clinical testing. Allele origin: germline.
Comment: This variant has not been reported in the literature in individuals affected with RNF213-related conditions. This sequence change falls in intron 52 of the RNF213 gene. It does not directly change the encoded amino acid sequence of the RNF213 protein. It affects a nucleotide within the consensus splice site. This variant is present in population databases (rs765581843, gnomAD 0.007%). Variants that disrupt the consensus splice site are a relatively common cause of aberrant splicing (PMID: 17576681, 9536098). Algorithms developed to predict the effect of sequence changes on RNA splicing suggest that this variant may create or strengthen a splice site. In summary, the available evidence is currently insufficient to determine the role of this variant in disease. Therefore, it has been classified as a Variant of Uncertain Significance.

Literature cited by the submitters: PubMed 17576681; PubMed 9536098.